The following is an entry in ClinVar:

NM_005689.4(ABCB6):c.391C>T (p.Gln131Ter)

Gene: ABCB6 (ATP binding cassette subfamily B member 6 (LAN blood group); minus strand). Cytogenetic location: 2q35.
Variant type: single nucleotide variant.
Coding change: c.391C>T on transcript NM_005689.4 (MANE Select); coding-DNA position 391, C replaced by T.
Protein change: p.Gln131Ter; replaces glutamine 131 with a stop codon.
Molecular consequence: nonsense.
Genome position (GRCh38, 1-based): chr2:219,218,283, G>A on the plus strand (C>T on the coding strand, the complement: ABCB6 is on the minus strand). VCF-style: chr2-219218283-G-A. GRCh37 (hg19) VCF-style: chr2-220083005-G-A.
Other names: c.391C>T, p.Gln131Ter (NM_001349828.2); short protein forms Q131*.
Identifiers: ClinVar variation 3673929 (VCV003673929.2).

ClinVar aggregate classification (germline): Uncertain significance (1 of 4 stars; one submission).

Submission:

Labcorp Genetics (formerly Invitae), Labcorp
Classification: Uncertain significance. Last evaluated: 2024-10-20. Review status: criteria provided, single submitter. Criteria: Invitae Variant Classification Sherloc (09022015). Collection method: clinical testing. Allele origin: germline.
Comment: This sequence change creates a premature translational stop signal (p.Gln131*) in the ABCB6 gene. It is expected to result in an absent or disrupted protein product. However, the current clinical and genetic evidence is not sufficient to establish whether loss-of-function variants in ABCB6 cause disease. This variant is not present in population databases (gnomAD no frequency). This variant has not been reported in the literature in individuals affected with ABCB6-related conditions. In summary, the available evidence is currently insufficient to determine the role of this variant in disease. Therefore, it has been classified as a Variant of Uncertain Significance.